The following is an entry in ClinVar:

NM_005591.4(MRE11):c.1350A>G (p.Thr450=)

Gene: MRE11 (MRE11 double strand break repair nuclease; minus strand). Cytogenetic location: 11q21.
Variant type: single nucleotide variant.
Coding change: c.1350A>G on transcript NM_005591.4 (MANE Select); coding-DNA position 1350, A replaced by G.
Protein change: p.Thr450=; no amino-acid change (threonine 450 retained).
Molecular consequence: synonymous variant.
Genome position (GRCh38, 1-based): chr11:94,459,558, T>C on the plus strand (A>G on the coding strand, the complement: MRE11 is on the minus strand). VCF-style: chr11-94459558-T-C. GRCh37 (hg19) VCF-style: chr11-94192724-T-C.
Other names: c.1350A>G, p.Thr450= (NM_001330347.2, NM_005590.4).
Identifiers: ClinVar variation 233444 (VCV000233444.14), dbSNP rs876660412, ClinGen allele CA10579380.

ClinVar aggregate classification (germline): Likely benign. Review status: criteria provided, multiple submitters, no conflicts (2 of 4 stars). 3 submissions from 3 submitters: Likely benign (2). 1 of the submissions does not count toward it. Last evaluated 2023-11-04.

Conditions:
MRE11-related disorder. Also called: MRE11-related condition.
Hereditary cancer-predisposing syndrome. Also called: Neoplastic Syndromes, Hereditary; Tumor predisposition; Hereditary Cancer Syndrome; Hereditary neoplastic syndrome. Identifiers: Orphanet 140162, MedGen C0027672, MeSH D009386, MONDO:0015356.
Ataxia-telangiectasia-like disorder (ATLD). Identifiers: MedGen C1858391, MONDO:0011457.

Allele frequency attached by ClinVar (database versions not stated): gnomAD 0.00001; gnomAD exomes 0.00001 and 0.00002; TOPMed 0.00002.
gnomAD v4.1: 10 of 1,613,930 alleles (0.00062%); highest among the groups gnomAD compares: Admixed American, 0.012%; no homozygotes.

Submissions (3):

Labcorp Genetics (formerly Invitae), Labcorp
Classification: Likely benign for Ataxia-telangiectasia-like disorder. Last evaluated: 2023-11-04. Review status: criteria provided, single submitter. Criteria: Invitae Variant Classification Sherloc (09022015). Collection method: clinical testing. Allele origin: germline.

Ambry Genetics
Classification: Likely benign for Hereditary cancer-predisposing syndrome. Last evaluated: 2015-08-14. Review status: criteria provided, single submitter. Criteria: Ambry Variant Classification Scheme 2023. Collection method: clinical testing. Allele origin: germline.

PreventionGenetics, part of Exact Sciences
Classification: Likely benign for MRE11-related condition. Last evaluated: 2024-05-29. Review status: no assertion criteria provided. Collection method: clinical testing. Allele origin: germline. Not counted in ClinVar's aggregate classification.
Comment: This variant is classified as likely benign based on ACMG/AMP sequence variant interpretation guidelines (Richards et al. 2015 PMID: 25741868, with internal and published modifications).